The following is an entry in ClinVar:

NM_000077.5(CDKN2A):c.376G>C (p.Val126Leu)

Gene: CDKN2A (cyclin dependent kinase inhibitor 2A; minus strand). Cytogenetic location: 9p21.3.
Variant type: single nucleotide variant.
Coding change: c.376G>C on transcript NM_000077.5; coding-DNA position 376, G replaced by C.
Protein change: p.Val126Leu; replaces valine 126 with leucine.
Molecular consequence: missense variant (on NM_000077.6). On other transcripts: 3 prime UTR variant (2).
Genome position (GRCh38, 1-based): chr9:21,970,983, C>G on the plus strand (G>C on the coding strand, the complement: CDKN2A is on the minus strand). VCF-style: chr9-21970983-C-G. GRCh37 (hg19) VCF-style: chr9-21970982-C-G.
Other names: c.376G>C, p.Val126Leu (NM_000077.6, NM_001195132.2); c.223G>C, p.Val75Leu (NM_001363763.2); c.*20G>C (NM_058195.4); c.*299G>C (NM_058197.5); short protein forms V126L, V75L.
Identifiers: ClinVar variation 489868 (VCV000489868.17), dbSNP rs1350305259, ClinGen allele CA373085955.

ClinVar aggregate classification (germline): Uncertain significance. Review status: criteria provided, multiple submitters, no conflicts (2 of 4 stars). 4 submissions from 4 submitters: Uncertain significance (4). Last evaluated 2025-12-29.

Conditions:
Familial melanoma. Also called: Hereditary melanoma; Hereditary cutaneous melanoma. Identifiers: Orphanet 618, MedGen C1512419, MONDO:0018961.
Hereditary cancer-predisposing syndrome. Also called: Tumor predisposition; Hereditary Cancer Syndrome; Neoplastic Syndromes, Hereditary; Hereditary neoplastic syndrome. Identifiers: Orphanet 140162, MedGen C0027672, MeSH D009386, MONDO:0015356.

Submissions (4):

Ambry Genetics
Classification: Uncertain significance for Hereditary cancer-predisposing syndrome. Last evaluated: 2025-12-29. Review status: criteria provided, single submitter. Criteria: Ambry Variant Classification Scheme 2023. Collection method: clinical testing. Allele origin: germline.
Comment: The p.V126L variant (also known as c.376G>C), located in coding exon 2 of the CDKN2A gene, results from a G to C substitution at nucleotide position 376. The valine at codon 126 is replaced by leucine, an amino acid with highly similar properties. Of note, this variant is also known as c.*20G>C p.(=) in the p14(ARF) isoform. This amino acid position is well conserved in available vertebrate species. In addition, the in silico prediction for this alteration is inconclusive. Based on the available evidence, the clinical significance of this variant remains unclear.

Labcorp Genetics (formerly Invitae), Labcorp
Classification: Uncertain significance for Familial melanoma. Last evaluated: 2024-10-22. Review status: criteria provided, single submitter. Criteria: Invitae Variant Classification Sherloc (09022015). Collection method: clinical testing. Allele origin: germline.
Comment: This sequence change replaces valine, which is neutral and non-polar, with leucine, which is neutral and non-polar, at codon 126 of the CDKN2A (p16INK4a) protein (p.Val126Leu). This variant is not present in population databases (gnomAD no frequency). This variant has not been reported in the literature in individuals affected with CDKN2A (p16INK4a)-related conditions. ClinVar contains an entry for this variant (Variation ID: 489868). An algorithm developed to predict the effect of missense changes on protein structure and function (PolyPhen-2) suggests that this variant is likely to be tolerated. This variant disrupts the p.Val126 amino acid residue in CDKN2A (p16INK4a). Other variant(s) that disrupt this residue have been determined to be pathogenic (PMID: 7987387, 8668202, 11595726, 20340136, 23371019, 25356972). This suggests that this residue is clinically significant, and that variants that disrupt this residue are likely to be disease-causing. In summary, the available evidence is currently insufficient to determine the role of this variant in disease. Therefore, it has been classified as a Variant of Uncertain Significance.

Blueprint Genetics
Classification: Uncertain significance. Last evaluated: 2024-03-28. Review status: criteria provided, single submitter. Criteria: ACMG Guidelines, 2015. Collection method: clinical testing. Allele origin: germline.

Color Diagnostics, LLC DBA Color Health
Classification: Uncertain significance for Hereditary cancer-predisposing syndrome. Last evaluated: 2022-12-06. Review status: criteria provided, single submitter. Criteria: ACMG Guidelines, 2015. Collection method: clinical testing. Allele origin: germline.
Comment: The CDKN2A locus encodes two different gene products, p16INK4a and p14ARF. This missense variant replaces valine with leucine at codon 126 of the CDKN2A p16INK4a protein. Computational prediction suggests that this variant may not impact protein structure and function (internally defined REVEL score threshold <= 0.5, PMID: 27666373). To our knowledge, functional studies have not been reported for this variant. Another variant at this amino acid position (p.Val126Asp) is classified as Pathogenic, indicating that valine is an important residue for CDKN2A function (ClinVar Variation ID: 9420). This variant has not been reported in individuals affected with hereditary cancer in the literature. This variant has not been identified in the general population by the Genome Aggregation Database (gnomAD). The available evidence is insufficient to determine the role of this variant in disease conclusively. Therefore, this variant is classified as a Variant of Uncertain Significance.

Literature cited by the submitters: PubMed 7987387 (cited by Labcorp Genetics (formerly Invitae), Labcorp); PubMed 8668202 (cited by Labcorp Genetics (formerly Invitae), Labcorp); PubMed 11595726 (cited by Labcorp Genetics (formerly Invitae), Labcorp); PubMed 20340136 (cited by Labcorp Genetics (formerly Invitae), Labcorp); PubMed 23371019 (cited by Labcorp Genetics (formerly Invitae), Labcorp); PubMed 25356972 (cited by Labcorp Genetics (formerly Invitae), Labcorp).